The following is an entry in ClinVar:

NM_000179.3(MSH6):c.3146C>G (p.Ser1049Cys)

Gene: MSH6 (mutS homolog 6; plus strand). Cytogenetic location: 2p16.3.
Variant type: single nucleotide variant.
Coding change: c.3146C>G on transcript NM_000179.3 (MANE Select); coding-DNA position 3146, C replaced by G.
Protein change: p.Ser1049Cys; replaces serine 1049 with cysteine.
Molecular consequence: missense variant.
Genome position (GRCh38, 1-based): chr2:47,801,129, C>G. VCF-style: chr2-47801129-C-G. GRCh37 (hg19) VCF-style: chr2-48028268-C-G.
Other names: c.2756C>G, p.Ser919Cys (NM_001281492.2); c.2240C>G, p.Ser747Cys (NM_001281493.2, NM_001281494.2); short protein forms S747C, S1049C, S919C.
Identifiers: ClinVar variation 822991 (VCV000822991.14), dbSNP rs1395294066, ClinGen allele CA346756702.

ClinVar aggregate classification (germline): Uncertain significance. Review status: criteria provided, multiple submitters, no conflicts (2 of 4 stars). 3 submissions from 3 submitters: Uncertain significance (3). Last evaluated 2025-07-17.

Conditions:
Hereditary nonpolyposis colorectal neoplasms. Identifiers: MedGen C0009405, MeSH D003123.
Hereditary cancer-predisposing syndrome. Also called: Tumor predisposition; Hereditary Cancer Syndrome; Neoplastic Syndromes, Hereditary; Hereditary neoplastic syndrome. Identifiers: Orphanet 140162, MedGen C0027672, MeSH D009386, MONDO:0015356.

Allele frequency attached by ClinVar (database versions not stated): gnomAD exomes below 0.00001.
gnomAD v4.1: 1 of 1,611,976 alleles (0.000062%); highest among the groups gnomAD compares: Non-Finnish European, 0.000085%; no homozygotes.

Submissions (3):

Quest Diagnostics Nichols Institute San Juan Capistrano
Classification: Uncertain significance. Last evaluated: 2025-07-17. Review status: criteria provided, single submitter. Criteria: Quest Diagnostics criteria. Collection method: clinical testing. Allele origin: unknown.
Comment: The MSH6 c.3146C>G (p.Ser1049Cys) variant has not been reported in individuals with MSH6-related conditions in the published literature. It also has not been reported in large, multi-ethnic general populations (Genome Aggregation Database). Analysis of this variant using bioinformatics tools for the prediction of the effect of amino acid changes on protein structure and function yielded conflicting predictions that this variant is deleterious or benign. Based on the available information, we are unable to determine the clinical significance of this variant.

Ambry Genetics
Classification: Uncertain significance for Hereditary cancer-predisposing syndrome. Last evaluated: 2024-06-22. Review status: criteria provided, single submitter. Criteria: Ambry Variant Classification Scheme 2023. Collection method: clinical testing. Allele origin: germline.
Comment: The p.S1049C variant (also known as c.3146C>G), located in coding exon 4 of the MSH6 gene, results from a C to G substitution at nucleotide position 3146. The serine at codon 1049 is replaced by cysteine, an amino acid with dissimilar properties. This amino acid position is not well conserved in available vertebrate species. In addition, this alteration is predicted to be tolerated by in silico analysis. Since supporting evidence is limited at this time, the clinical significance of this alteration remains unclear.

Labcorp Genetics (formerly Invitae), Labcorp
Classification: Uncertain significance for Hereditary nonpolyposis colorectal neoplasms. Last evaluated: 2024-05-13. Review status: criteria provided, single submitter. Criteria: Invitae Variant Classification Sherloc (09022015). Collection method: clinical testing. Allele origin: germline.
Comment: This sequence change replaces serine, which is neutral and polar, with cysteine, which is neutral and slightly polar, at codon 1049 of the MSH6 protein (p.Ser1049Cys). This variant is not present in population databases (gnomAD no frequency). This variant has not been reported in the literature in individuals affected with MSH6-related conditions. ClinVar contains an entry for this variant (Variation ID: 822991). Advanced modeling of protein sequence and biophysical properties (such as structural, functional, and spatial information, amino acid conservation, physicochemical variation, residue mobility, and thermodynamic stability) performed at Invitae indicates that this missense variant is not expected to disrupt MSH6 protein function with a negative predictive value of 95%. In summary, the available evidence is currently insufficient to determine the role of this variant in disease. Therefore, it has been classified as a Variant of Uncertain Significance.